The following is an entry in ClinVar:

NM_001040142.2(SCN2A):c.3400-71C>T

Gene: SCN2A (sodium voltage-gated channel alpha subunit 2; plus strand). Cytogenetic location: 2q24.3.
Variant type: single nucleotide variant.
Coding change: c.3400-71C>T on transcript NM_001040142.2 (MANE Select); 71 bases into the intron before coding-DNA position 3400, C replaced by T.
Molecular consequence: intron variant.
Genome position (GRCh38, 1-based): chr2:165,365,072, C>T. VCF-style: chr2-165365072-C-T. GRCh37 (hg19) VCF-style: chr2-166221582-C-T.
Other names: c.3400-71C>T (NM_001040143.2, NM_001371246.1, NM_001371247.1 and 1 more transcripts).
Identifiers: ClinVar variation 670789 (VCV000670789.4), dbSNP rs3769951, ClinGen allele CA59730670.

ClinVar aggregate classification (germline): Benign. Review status: criteria provided, multiple submitters, no conflicts (2 of 4 stars). 3 submissions from 3 submitters: Benign (3). Last evaluated 2024-07-31.

Allele frequency attached by ClinVar (database versions not stated): TOPMed 0.23998; 1000 Genomes Project 30x 0.24547; 1000 Genomes Project 0.25359; gnomAD 0.25592 and 0.25844.

Submissions (3):

Unidad de Genómica Garrahan, Hospital de Pediatría Garrahan
Classification: Benign. Last evaluated: 2024-07-31. Review status: criteria provided, single submitter. Criteria: ACMG Guidelines, 2015. Collection method: clinical testing. Allele origin: germline. Affected: no. Observed: 29 variant alleles.
Comment: This variant is classified as Benign based on local population frequency. This variant was detected in 31% of patients studied in a panel designed for Epileptic and Developmental Encephalopathy, Progressive Myoclonus Epilepsy and Abnormal Movements and Neurodegeneration with brain iron accumulation. Number of patients: 29. Only high quality variants are reported.

GeneDx
Classification: Benign. Last evaluated: 2018-06-14. Review status: criteria provided, single submitter. Criteria: GeneDx Variant Classification (06012015). Collection method: clinical testing. Allele origin: germline. Affected: yes.
Comment: This variant is considered likely benign or benign based on one or more of the following criteria: it is a conservative change, it occurs at a poorly conserved position in the protein, it is predicted to be benign by multiple in silico algorithms, and/or has population frequency not consistent with disease.

Breakthrough Genomics
Classification: Benign. Review status: criteria provided, single submitter. Criteria: ACMG Guidelines, 2015. Collection method: not provided. Allele origin: germline. Inheritance: Autosomal dominant inheritance. Affected: yes.